The following is an entry in ClinVar:

ClinVar aggregate classification (germline): Uncertain significance (1 of 4 stars; one submission).

Conditions:
Hereditary spastic paraplegia 28. Also called: Spastic paraplegia 28, autosomal recessive. Identifiers: Orphanet 101008, MedGen C1836295, MONDO:0012256, OMIM 609340.

Submission:

Labcorp Genetics (formerly Invitae), Labcorp
Classification: Uncertain significance for Hereditary spastic paraplegia 28. Last evaluated: 2022-08-10. Review status: criteria provided, single submitter. Criteria: Invitae Variant Classification Sherloc (09022015). Collection method: clinical testing. Allele origin: germline.
Comment: In summary, the available evidence is currently insufficient to determine the role of this variant in disease. Therefore, it has been classified as a Variant of Uncertain Significance. Algorithms developed to predict the effect of missense changes on protein structure and function (SIFT, PolyPhen-2, Align-GVGD) all suggest that this variant is likely to be disruptive. This variant has not been reported in the literature in individuals affected with DDHD1-related conditions. This variant is not present in population databases (gnomAD no frequency). This sequence change replaces tyrosine, which is neutral and polar, with aspartic acid, which is acidic and polar, at codon 499 of the DDHD1 protein (p.Tyr499Asp).

NM_001160148.2(DDHD1):c.1474T>G (p.Tyr492Asp)

Gene: DDHD1 (DDHD domain containing 1; minus strand). Cytogenetic location: 14q22.1.
Variant type: single nucleotide variant.
Coding change: c.1474T>G on transcript NM_001160148.2 (MANE Select); coding-DNA position 1474, T replaced by G.
Protein change: p.Tyr492Asp; replaces tyrosine 492 with aspartic acid.
Molecular consequence: missense variant.
Genome position (GRCh38, 1-based): chr14:53,072,626, A>C on the plus strand (T>G on the coding strand, the complement: DDHD1 is on the minus strand). VCF-style: chr14-53072626-A-C. GRCh37 (hg19) VCF-style: chr14-53539344-A-C.
Other names: c.1495T>G, p.Tyr499Asp (NM_001160147.2); c.1474T>G, p.Tyr492Asp (NM_030637.3); short protein forms Y492D, Y499D.
Identifiers: ClinVar variation 2420738 (VCV002420738.6), dbSNP rs2503138698, ClinGen allele CA389763966.